The following is an entry in ClinVar:

NC_000023.10:g.(?_107683067)_(107940776_?)dup

Gene: COL4A5 (collagen type IV alpha 5 chain; plus strand). Cytogenetic location: Xq22.3.
Variant type: Duplication.
Identifiers: ClinVar variation 4536097 (VCV004536097.1).

ClinVar aggregate classification (germline): Uncertain significance (1 of 4 stars; one submission).

Submission:

Women's Health and Genetics/Laboratory Corporation of America, LabCorp
Classification: Uncertain significance. Last evaluated: 2025-09-22. Review status: criteria provided, single submitter. Criteria: LabCorp Variant Classification Summary - May 2015. Collection method: clinical testing. Allele origin: germline.
Comment: Variant summary: The variant involves the duplication of exons 1-51 in the COL4A5 gene. This duplication includes the entire coding sequence of the gene. As exact breakpoints are unknown, it may extend beyond the annotated region of the gene, to include other flanking genes. A presumed nomenclature of c.(?_-289)_(*1168_?)dup has been designated for the purposes of this classification. The variant was absent in 15814 control chromosomes. The available data on variant occurrences in the general population are insufficient to allow any conclusion about variant significance. To our knowledge, no occurrence of c.(?_-289)_(*1168_?)dup in individuals affected with COL4A5-related conditions and no experimental evidence demonstrating its impact on protein function have been reported. No submitters have cited clinical-significance assessments for this variant to ClinVar. Based on the evidence outlined above, the variant was classified as uncertain significance.